The following is an entry in ClinVar:

NM_000219.6(KCNE1):c.31C>G (p.Pro11Ala)

Gene: KCNE1 (potassium voltage-gated channel subfamily E regulatory subunit 1; minus strand). Cytogenetic location: 21q22.12.
Variant type: single nucleotide variant.
Coding change: c.31C>G on transcript NM_000219.6 (MANE Select); coding-DNA position 31, C replaced by G.
Protein change: p.Pro11Ala; replaces proline 11 with alanine.
Molecular consequence: missense variant.
Genome position (GRCh38, 1-based): chr21:34,449,604, G>C on the plus strand (C>G on the coding strand, the complement: KCNE1 is on the minus strand). VCF-style: chr21-34449604-G-C. GRCh37 (hg19) VCF-style: chr21-35821902-G-C.
Other names: c.31C>G, p.Pro11Ala (NM_001127668.4, NM_001127669.4, NM_001127670.4 and 4 more transcripts); short protein forms P11A.
Identifiers: ClinVar variation 3374614 (VCV003374614.2).

Conditions:
Long QT syndrome 5 (LQT5). Identifiers: Orphanet 101016, Orphanet 768, MedGen C1867904, MONDO:0013372, OMIM 613695.

Submission:

Roden Lab, Vanderbilt University Medical Center
No classification provided (evidence only). Condition: Long QT syndrome 5. Review status: no classification provided. Collection method: in vitro. Allele origin: not applicable. Functional consequence: Effect on ion channel function.
ClinVar note: "not provided" was previously submitted as the classification for the variant. However, the classification appeared to be based only on an observation of functional data so it was converted to no classification on 2025-07-30.